The following is an entry in ClinVar:

NM_000051.4(ATM):c.6761A>C (p.His2254Pro)

Genes: ATM (ATM serine/threonine kinase; plus strand), C11orf65 (chromosome 11 open reading frame 65; minus strand). Cytogenetic location: 11q22.3.
Variant type: single nucleotide variant.
Coding change: c.6761A>C on transcript NM_000051.4 (MANE Select); coding-DNA position 6761, A replaced by C.
Protein change: p.His2254Pro; replaces histidine 2254 with proline.
Molecular consequence: missense variant. On other transcripts: intron variant (2).
Genome position (GRCh38, 1-based): chr11:108,325,498, A>C. VCF-style: chr11-108325498-A-C. GRCh37 (hg19) VCF-style: chr11-108196225-A-C.
Other names: c.6761A>C, p.His2254Pro (NM_001351834.2); c.641-16427T>G (NM_001330368.2); c.*38+9722T>G (NM_001351110.2); short protein forms H2254P.
Identifiers: ClinVar variation 582959 (VCV000582959.9), dbSNP rs1565518950, ClinGen allele CA382555346.
Genomic context (GRCh38, chr11:108,325,498, plus strand): 5'-TGATGGAAAAGGAAATGGACAACTCACAAAGAGAATGTATTAAGGACATTCTCACCAAAC[A>C]CCTTGTAGAACTCTCTATACTGGCCAGAACTTTCAAGAACACTCAGGTAAATACAATTTA-3'
Protein context (NP_000042.3, residues 2244-2264): RECIKDILTK[His2254Pro]LVELSILART

ClinVar aggregate classification (germline): Uncertain significance (1 of 4 stars; one submission).

Conditions:
Ataxia-telangiectasia syndrome (AT). Also called: Cerebello-oculocutaneous telangiectasia; Immunodeficiency with ataxia telangiectasia; Ataxia-telangiectasia, complementation group E; Ataxia-telangiectasia, complementation group D; AT, COMPLEMENTATION GROUP C; ATAXIA-TELANGIECTASIA, COMPLEMENTATION GROUP A. Identifiers: Orphanet 100, MedGen C0004135, MONDO:0008840, OMIM 208900.

Submission:

Labcorp Genetics (formerly Invitae), Labcorp
Classification: Uncertain significance for Ataxia-telangiectasia syndrome. Last evaluated: 2018-01-17. Review status: criteria provided, single submitter. Criteria: Invitae Variant Classification Sherloc (09022015). Collection method: clinical testing. Allele origin: germline.
Comment: This sequence change replaces histidine with proline at codon 2254 of the ATM protein (p.His2254Pro). The histidine residue is highly conserved and there is a moderate physicochemical difference between histidine and proline. This variant is not present in population databases (ExAC no frequency). This variant has been reported in an individual affected with ataxia-telangiectasia (PMID: 22071889). Algorithms developed to predict the effect of missense changes on protein structure and function (SIFT, PolyPhen-2, Align-GVGD) all suggest that this variant is likely to be disruptive, but these predictions have not been confirmed by published functional studies and their clinical significance is uncertain. In summary, the available evidence is currently insufficient to determine the role of this variant in disease. Therefore, it has been classified as a Variant of Uncertain Significance.

Literature cited by the submitters: PubMed 22071889.